The following is an entry in ClinVar:

NM_024422.6(DSC2):c.1040A>G (p.Asp347Gly)

Gene: DSC2 (desmocollin 2; minus strand). Cytogenetic location: 18q12.1.
Variant type: single nucleotide variant.
Coding change: c.1040A>G on transcript NM_024422.6 (MANE Select); coding-DNA position 1040, A replaced by G.
Protein change: p.Asp347Gly; replaces aspartic acid 347 with glycine.
Molecular consequence: missense variant.
Genome position (GRCh38, 1-based): chr18:31,082,963, T>C on the plus strand (A>G on the coding strand, the complement: DSC2 is on the minus strand). VCF-style: chr18-31082963-T-C. GRCh37 (hg19) VCF-style: chr18-28662929-T-C.
Other names: c.1040A>G, p.Asp347Gly (NM_004949.5); c.1040A>G (NM_024422.4); short protein forms D347G.
Identifiers: ClinVar variation 1332038 (VCV001332038.4), dbSNP rs2144821231, ClinGen allele CA402110479.

ClinVar aggregate classification (germline): Uncertain significance. Review status: criteria provided, single submitter (1 of 4 stars). 2 submissions from 2 submitters: Uncertain significance (1). 1 of the submissions does not count toward it. Last evaluated 2024-03-06.

Conditions:
Cardiomyopathy (CMYO). Also called: Cardiomyopathies. Identifiers: Orphanet 167848, MedGen C0878544, MONDO:0004994, HP:0001638. Inheritance: Various modes of inheritance.
DSC2-related disorder. Also called: DSC2-related condition.

Allele frequency attached by ClinVar (database versions not stated): gnomAD exomes 0.00001.
gnomAD v4.1: 3 of 1,613,612 alleles (0.00019%); highest among the groups gnomAD compares: South Asian, 0.0033%; no homozygotes.

Submissions (2):

Color Diagnostics, LLC DBA Color Health
Classification: Uncertain significance for Cardiomyopathy. Last evaluated: 2024-03-06. Review status: criteria provided, single submitter. Criteria: ACMG Guidelines, 2015. Collection method: clinical testing. Allele origin: germline.
Comment: This missense variant replaces aspartic acid with glycine at codon 347 of the DSC2 protein. Computational prediction suggests that this variant may have deleterious impact on protein structure and function (internally defined REVEL score threshold >= 0.7, PMID: 27666373). To our knowledge, functional studies have not been reported for this variant. This variant has not been reported in individuals affected with cardiovascular disorders in the literature. This variant has not been identified in the general population by the Genome Aggregation Database (gnomAD). The available evidence is insufficient to determine the role of this variant in disease conclusively. Therefore, this variant is classified as a Variant of Uncertain Significance.

PreventionGenetics, part of Exact Sciences
Classification: Uncertain significance for DSC2-related condition. Last evaluated: 2024-06-27. Review status: no assertion criteria provided. Collection method: clinical testing. Allele origin: germline. Not counted in ClinVar's aggregate classification.
Comment: The DSC2 c.1040A>G variant is predicted to result in the amino acid substitution p.Asp347Gly. To our knowledge, this variant has not been reported in the literature or in a large population database, indicating this variant is rare. At this time, the clinical significance of this variant is uncertain due to the absence of conclusive functional and genetic evidence.